The following is an entry in ClinVar:

NM_002435.3(MPI):c.1131A>G (p.Val377=)

Gene: MPI (mannose phosphate isomerase; plus strand). Cytogenetic location: 15q24.1.
Variant type: single nucleotide variant.
Coding change: c.1131A>G on transcript NM_002435.3 (MANE Select); coding-DNA position 1131, A replaced by G.
Protein change: p.Val377=; no amino-acid change (valine 377 retained).
Molecular consequence: synonymous variant. On other transcripts: 3 prime UTR variant (1).
Genome position (GRCh38, 1-based): chr15:74,897,589, A>G. VCF-style: chr15-74897589-A-G. GRCh37 (hg19) VCF-style: chr15-75189930-A-G.
Other names: p.Val377=; c.*58A>G (NM_001289155.2); c.981A>G, p.Val327= (NM_001289156.2); c.948A>G, p.Val316= (NM_001289157.2); c.1071A>G, p.Val357= (NM_001330372.2).
Identifiers: ClinVar variation 94066 (VCV000094066.31), dbSNP rs1130741, ClinGen allele CA147577.

ClinVar aggregate classification (germline): Benign/Likely benign. Review status: criteria provided, multiple submitters, no conflicts (2 of 4 stars). 14 submissions from 14 submitters: Benign (9); Likely benign (1). 4 of the submissions do not count toward it. Last evaluated 2026-02-04.

Conditions:
MPI-congenital disorder of glycosylation. Also called: CDG Ib; MANNOSEPHOSPHATE ISOMERASE DEFICIENCY; PROTEIN-LOSING ENTEROPATHY-HEPATIC FIBROSIS SYNDROME; MPI-CDG; CONGENITAL DISORDER OF GLYCOSYLATION, TYPE Ib; MPI DEFICIENCY. Identifiers: Orphanet 79319, MedGen C1865145, MONDO:0011257, OMIM 602579.

Allele frequency attached by ClinVar (database versions not stated): 1000 Genomes Project 0.33866; 1000 Genomes Project 30x 0.34244; ExAC 0.43764; gnomAD exomes 0.44481 and 0.51682; gnomAD 0.44908 and 0.45813; TOPMed 0.45824; ESP Exome Variant Server 0.47150.

Submissions (14):

Labcorp Genetics (formerly Invitae), Labcorp
Classification: Benign for MPI-congenital disorder of glycosylation. Last evaluated: 2026-02-04. Review status: criteria provided, single submitter. Criteria: Invitae Variant Classification Sherloc (09022015). Collection method: clinical testing. Allele origin: germline.

Blueprint Genetics
Classification: Likely benign. Last evaluated: 2024-11-27. Review status: criteria provided, single submitter. Criteria: ACMG Guidelines, 2015. Collection method: clinical testing. Allele origin: germline.

Genome-Nilou Lab
Classification: Benign for MPI-congenital disorder of glycosylation. Last evaluated: 2021-07-10. Review status: criteria provided, single submitter. Criteria: ACMG Guidelines, 2015. Collection method: clinical testing. Allele origin: germline. Affected: no.

Illumina Laboratory Services, Illumina
Classification: Benign for MPI-congenital disorder of glycosylation. Last evaluated: 2018-01-13. Review status: criteria provided, single submitter. Criteria: ICSL Variant Classification Criteria 13 December 2019. Collection method: clinical testing. Allele origin: germline.
Comment: This variant was observed in the ICSL laboratory as part of a predisposition screen in an ostensibly healthy population. It had not been previously curated by ICSL or reported in the Human Gene Mutation Database (HGMD: prior to June 1st, 2018), and was therefore a candidate for classification through an automated scoring system. Utilizing variant allele frequency, disease prevalence and penetrance estimates, and inheritance mode, an automated score was calculated to assess if this variant is too frequent to cause the disease. Based on the score and internal cut-off values, a variant classified as benign is not then subjected to further curation. The score for this variant resulted in a classification of benign for this disease.

Mayo Clinic Laboratories, Mayo Clinic
Classification: Benign. Last evaluated: 2017-12-19. Review status: criteria provided, single submitter. Criteria: ACMG Guidelines, 2015. Collection method: clinical testing. Allele origin: germline. Observed: 30 variant alleles.

Laboratory for Molecular Medicine, Mass General Brigham Personalized Medicine
Classification: Benign. Last evaluated: 2016-03-28. Review status: criteria provided, single submitter. Criteria: LMM Criteria. Collection method: clinical testing. Allele origin: germline.
Comment: Variant identified in a genome or exome case(s) and assessed due to predicted null impact of the variant or pathogenic assertions in the literature or databases. Disclaimer: This variant has not undergone full assessment. The following are preliminary notes: 44% of total chromosomes in ExAC

GeneDx
Classification: Benign. Last evaluated: 2015-12-02. Review status: criteria provided, single submitter. Criteria: GeneDx Variant Classification (06012015). Collection method: clinical testing. Allele origin: germline. Affected: yes.
Comment: This variant is considered likely benign or benign based on one or more of the following criteria: it is a conservative change, it occurs at a poorly conserved position in the protein, it is predicted to be benign by multiple in silico algorithms, and/or has population frequency not consistent with disease.

Eurofins Ntd Llc (ga)
Classification: Benign. Last evaluated: 2012-07-10. Review status: criteria provided, single submitter. Criteria: EGL Classification Definitions 2015. Collection method: clinical testing. Allele origin: germline. Observed: 36 variant alleles, 21 heterozygotes, 15 homozygotes.

Breakthrough Genomics
Classification: Benign. Review status: criteria provided, single submitter. Criteria: ACMG Guidelines, 2015. Collection method: not provided. Allele origin: germline. Inheritance: Autosomal recessive inheritance. Affected: yes.

PreventionGenetics, part of Exact Sciences
Classification: Benign. Review status: criteria provided, single submitter. Criteria: ACMG Guidelines, 2015. Collection method: clinical testing. Allele origin: germline.

Natera, Inc.
Classification: Benign for Congenital disorder of glycosylation type 1b. Last evaluated: 2020-09-16. Review status: no assertion criteria provided. Collection method: clinical testing. Allele origin: germline. Not counted in ClinVar's aggregate classification.

Clinical Genetics, Academic Medical Center
Classification: Benign. Review status: no assertion criteria provided. Collection method: clinical testing. Allele origin: germline. Affected: yes. Study: VKGL Data-share Consensus. Not counted in ClinVar's aggregate classification.

Diagnostic Laboratory, Department of Genetics, University Medical Center Groningen
Classification: Benign for MPI-congenital disorder of glycosylation. Review status: no assertion criteria provided. Collection method: clinical testing. Allele origin: germline. Affected: yes. Study: VKGL Data-share Consensus. Not counted in ClinVar's aggregate classification.

Joint Genome Diagnostic Labs from Nijmegen and Maastricht, Radboudumc and MUMC+
Classification: Benign. Review status: no assertion criteria provided. Collection method: clinical testing. Allele origin: germline. Affected: yes. Study: VKGL Data-share Consensus. Not counted in ClinVar's aggregate classification.